The following is an entry in ClinVar:

ClinVar aggregate classification (germline): Pathogenic (1 of 4 stars; one submission).

Conditions:
Hereditary breast ovarian cancer syndrome. Also called: Hereditary breast and ovarian cancer; Hereditary breast and ovarian cancer syndrome; BRCA1- and BRCA2-Associated Hereditary Breast and Ovarian Cancer; Hereditary breast and ovarian cancer syndrome (HBOC); Breast and ovarian cancer; Hereditary breast and/or ovarian cancer syndrome. Identifiers: Orphanet 145, MedGen C0677776, MeSH D061325, MONDO:0003582. Disease mechanism: loss of function.

Submission:

Labcorp Genetics (formerly Invitae), Labcorp
Classification: Pathogenic for Hereditary breast ovarian cancer syndrome. Last evaluated: 2018-12-13. Review status: criteria provided, single submitter. Criteria: Invitae Variant Classification Sherloc (09022015). Collection method: clinical testing. Allele origin: germline.
Comment: This sequence change creates a premature translational stop signal (p.Ser976Leufs*5) in the BRCA2 gene. It is expected to result in an absent or disrupted protein product. This variant is not present in population databases (ExAC no frequency). This variant has not been reported in the literature in individuals with BRCA2-related conditions. Loss-of-function variants in BRCA2 are known to be pathogenic (PMID: 20104584). For these reasons, this variant has been classified as Pathogenic.

Literature cited by the submitters: PubMed 20104584.

NM_000059.4(BRCA2):c.2926_2927del (p.Ser976fs)

Gene: BRCA2 (BRCA2 DNA repair associated; plus strand). Cytogenetic location: 13q13.1.
Variant type: Microsatellite.
Coding change: c.2926_2927del on transcript NM_000059.4 (MANE Select); coding-DNA positions 2926 to 2927, 2 bases deleted (TC; older notation c.2926_2927delTC).
Protein change: p.Ser976fs; shifts the reading frame from serine 976.
Molecular consequence: frameshift variant.
Genome position (GRCh38, 1-based): chr13:32,337,281-32,337,282, TC deleted; deleting any 2 consecutive bases within chr13:32,337,279-32,337,282 gives the same sequence; the c. name uses the placement nearest the transcript's 3' end. VCF-style (leftmost placement, unchanged base first): chr13-32337278-ATC-A. GRCh37 (hg19) VCF-style: chr13-32911415-ATC-A.
Other names: c.2926_2927delTC (NM_000059.3); short protein forms S976fs.
Identifiers: ClinVar variation 647075 (VCV000647075.7), dbSNP rs1593898104, ClinGen allele CA915948444.
Genomic context (GRCh38, chr13:32,337,278, plus strand): 5'-AACAAAAATAGTGTAAAGCAGCATATAAAAATGACTCTAGGTCAAGATTTAAAATCGGAC[ATC>A]TCCTTGAATATAGATAAAATACCAGAAAAAAATAATGATTACATGAACAAATGGGCAGGA-3'